The following is an entry in ClinVar:

ClinVar aggregate classification (germline): Benign. Review status: criteria provided, multiple submitters, no conflicts (2 of 4 stars). 3 submissions from 3 submitters: Benign (2). 1 of the submissions does not count toward it. Last evaluated 2019-01-10.

Conditions:
X-linked central congenital hypothyroidism with late-onset testicular enlargement. Also called: HYPOTHYROIDISM, CENTRAL, WITH TESTICULAR ENLARGEMENT; Hypothyroidism, central, and testicular enlargement. Identifiers: Orphanet 329235, MedGen C3550963, MONDO:0010475, OMIM 300888.

Allele frequency attached by ClinVar (database versions not stated): gnomAD 0.99693; TOPMed 0.99704; 1000 Genomes Project 30x 0.99875; 1000 Genomes Project 0.99894.

Submissions (3):

GeneDx
Classification: Benign. Last evaluated: 2019-01-10. Review status: criteria provided, single submitter. Criteria: GeneDx Variant Classification Process June 2021. Collection method: clinical testing. Allele origin: germline. Affected: yes.

Breakthrough Genomics
Classification: Benign. Review status: criteria provided, single submitter. Criteria: ACMG Guidelines, 2015. Collection method: not provided. Allele origin: germline. Inheritance: X-linked inheritance. Affected: yes.

Leiden Open Variation Database
Classification: Likely benign for X-linked central congenital hypothyroidism with late-onset testicular enlargement. Last evaluated: 2020-02-28. Review status: no assertion criteria provided. Collection method: curation. Allele origin: germline. Affected: yes. Not counted in ClinVar's aggregate classification.
Comment: Curator: Arleen D. Auerbach. Submitter to LOVD: Yu Sun.

NM_001018113.3(FANCB):c.2166-176A>G

Gene: FANCB (FA complementation group B; minus strand). Cytogenetic location: Xp22.2.
Variant type: single nucleotide variant.
Coding change: c.2166-176A>G on transcript NM_001018113.3 (MANE Select); 176 bases into the intron before coding-DNA position 2166, A replaced by G.
Molecular consequence: intron variant.
Genome position (GRCh38, 1-based): chrX:14,844,157, T>C on the plus strand (A>G on the coding strand, the complement: FANCB is on the minus strand). VCF-style: chrX-14844157-T-C. GRCh37 (hg19) VCF-style: chrX-14862279-T-C.
Other names: c.2166-176A>G (NM_001324162.2, NM_152633.4).
Identifiers: ClinVar variation 691313 (VCV000691313.6), dbSNP rs6527026, ClinGen allele CA327057620.